The following is an entry in ClinVar:

ClinVar aggregate classification (germline): Pathogenic (1 of 4 stars; one submission).

Conditions:
Mucopolysaccharidosis, MPS-III-D (MPS3D). Also called: N-ACETYLGLUCOSAMINE-6-SULFATASE DEFICIENCY; SANFILIPPO SYNDROME D; MPS III D; Mucopoly-saccharidosis type 3D; N-acetylglucosamine-6-sulfate sulfatase deficiency; MPS 3D. Identifiers: Orphanet 581, Orphanet 79272, MedGen C0086650, MONDO:0009658, OMIM 252940.

Submission:

Labcorp Genetics (formerly Invitae), Labcorp
Classification: Pathogenic for Mucopolysaccharidosis, MPS-III-D. Last evaluated: 2022-05-27. Review status: criteria provided, single submitter. Criteria: Invitae Variant Classification Sherloc (09022015). Collection method: clinical testing. Allele origin: germline.
Comment: This sequence change creates a premature translational stop signal (p.Ala96Glnfs*10) in the GNS gene. It is expected to result in an absent or disrupted protein product. Loss-of-function variants in GNS are known to be pathogenic (PMID: 20232353). This variant is not present in population databases (gnomAD no frequency). This variant has not been reported in the literature in individuals affected with GNS-related conditions. For these reasons, this variant has been classified as Pathogenic.

Literature cited by the submitters: PubMed 20232353.

NM_002076.4(GNS):c.286_287del (p.Ala96fs)

Gene: GNS (glucosamine (N-acetyl)-6-sulfatase; minus strand). Cytogenetic location: 12q14.3.
Variant type: Deletion.
Coding change: c.286_287del on transcript NM_002076.4 (MANE Select); coding-DNA positions 286 to 287, 2 bases deleted (GC; older notation c.286_287delGC).
Protein change: p.Ala96fs; shifts the reading frame from alanine 96.
Molecular consequence: frameshift variant.
Genome position (GRCh38, 1-based): chr12:64,747,884-64,747,885, GC deleted on the plus strand (GC on the coding strand, the reverse complement: GNS is on the minus strand). VCF-style (leftmost placement, unchanged base first): chr12-64747883-GGC-G. GRCh37 (hg19) VCF-style: chr12-65141663-GGC-G.
Other names: short protein forms A96fs.
Identifiers: ClinVar variation 1999386 (VCV001999386.4), dbSNP rs2539528031, ClinGen allele CA2580086646.